The following is an entry in ClinVar:

ClinVar aggregate classification (germline): Likely benign (0 of 4 stars; one submission).

Conditions:
RREB1-related disorder. Also called: RREB1-related condition.

gnomAD v4.1: 9 of 1,557,456 alleles (0.00058%); highest among the groups gnomAD compares: Non-Finnish European, 0.00078%; no homozygotes.

Submission:

PreventionGenetics, part of Exact Sciences
Classification: Likely benign for RREB1-related condition. Last evaluated: 2019-07-23. Review status: no assertion criteria provided. Collection method: clinical testing. Allele origin: germline.
Comment: This variant is classified as likely benign based on ACMG/AMP sequence variant interpretation guidelines (Richards et al. 2015 PMID: 25741868, with internal and published modifications).

NM_001003699.4(RREB1):c.4152T>C (p.Arg1384=)

Gene: RREB1 (ras responsive element binding protein 1; plus strand). Cytogenetic location: 6p24.3.
Variant type: single nucleotide variant.
Coding change: c.4152T>C on transcript NM_001003699.4 (MANE Select); coding-DNA position 4152, T replaced by C.
Protein change: p.Arg1384=; no amino-acid change (arginine 1384 retained).
Molecular consequence: synonymous variant. On other transcripts: intron variant (1).
Genome position (GRCh38, 1-based): chr6:7,246,602, T>C. VCF-style: chr6-7246602-T-C. GRCh37 (hg19) VCF-style: chr6-7246835-T-C.
Other names: c.3987T>C, p.Arg1329= (NM_001003698.4, NM_001168344.2); c.3974-1909T>C (NM_001003700.2).
Identifiers: ClinVar variation 3050404 (VCV003050404.2), dbSNP rs1414878272, ClinGen allele CA448712747.